The following is an entry in ClinVar:

ClinVar aggregate classification (germline): Uncertain significance (1 of 4 stars; one submission).

Submission:

GeneDx
Classification: Uncertain significance. Last evaluated: 2024-05-07. Review status: criteria provided, single submitter. Criteria: GeneDx Variant Classification Process June 2021. Collection method: clinical testing. Allele origin: germline. Affected: yes.
Comment: Has not been previously published as pathogenic or benign to our knowledge; Not observed at significant frequency in large population cohorts (gnomAD); In silico analysis indicates that this missense variant does not alter protein structure/function

NM_000071.3(CBS):c.173G>A (p.Arg58Gln)

Gene: CBS (cystathionine beta-synthase; minus strand). Cytogenetic location: 21q22.3.
Variant type: single nucleotide variant.
Coding change: c.173G>A on transcript NM_000071.3 (MANE Select); coding-DNA position 173, G replaced by A.
Protein change: p.Arg58Gln; replaces arginine 58 with glutamine.
Molecular consequence: missense variant.
Genome position (GRCh38, 1-based): chr21:43,072,021, C>T on the plus strand (G>A on the coding strand, the complement: CBS is on the minus strand). VCF-style: chr21-43072021-C-T. GRCh37 (hg19) VCF-style: chr21-44492131-C-T.
Other names: c.173G>A, p.Arg58Gln (NM_001178008.3, NM_001178009.3, NM_001320298.2); short protein forms R58Q.
Identifiers: ClinVar variation 3375780 (VCV003375780.1).